The following is an entry in ClinVar:

NM_000548.5(TSC2):c.4867A>G (p.Thr1623Ala)

Gene: TSC2 (TSC complex subunit 2; plus strand). Cytogenetic location: 16p13.3.
Variant type: single nucleotide variant.
Coding change: c.4867A>G on transcript NM_000548.5 (MANE Select); coding-DNA position 4867, A replaced by G.
Protein change: p.Thr1623Ala; replaces threonine 1623 with alanine.
Molecular consequence: missense variant.
Genome position (GRCh38, 1-based): chr16:2,086,749, A>G. VCF-style: chr16-2086749-A-G. GRCh37 (hg19) VCF-style: chr16-2136750-A-G.
Other names: c.4666A>G, p.Thr1556Ala (NM_001077183.3); c.4798A>G, p.Thr1600Ala (NM_001114382.3); c.4558A>G, p.Thr1520Ala (NM_001318827.2); c.4522A>G, p.Thr1508Ala (NM_001318829.2); c.4135A>G, p.Thr1379Ala (NM_001318831.2); c.4699A>G, p.Thr1567Ala (NM_001318832.2); c.4669A>G, p.Thr1557Ala (NM_001363528.2); c.4735A>G, p.Thr1579Ala (NM_001370404.1); and 1 more; short protein forms T1508A, T1567A, T1580A, T1579A, T1600A, T1520A, T1379A, T1556A.
Identifiers: ClinVar variation 839447 (VCV000839447.9), dbSNP rs749501410, ClinGen allele CA394308285.
Genomic context (GRCh38, chr16:2,086,749, plus strand): 5'-CAGCACTGGCCCCACAAACCCATCCGGCCCTGCTCACCCTCAGCCGTCTTCCACATCGCC[A>G]CCCTGATGCCCACCAAGGACGTGGACAAGCACCGCTGCGACAAGAAGCGCCACCTGGGCA-3'
Protein context (NP_000539.2, residues 1613-1633): DIMQAVFHIA[Thr1623Ala]LMPTKDVDKH

ClinVar aggregate classification (germline): Uncertain significance (1 of 4 stars; one submission).

Conditions:
Tuberous sclerosis 2 (TSC2). Identifiers: Orphanet 805, MedGen C1860707, MONDO:0013199, OMIM 613254.

Submission:

Labcorp Genetics (formerly Invitae), Labcorp
Classification: Uncertain significance for Tuberous sclerosis 2. Last evaluated: 2024-12-15. Review status: criteria provided, single submitter. Criteria: Invitae Variant Classification Sherloc (09022015). Collection method: clinical testing. Allele origin: germline.
Comment: This sequence change replaces threonine, which is neutral and polar, with alanine, which is neutral and non-polar, at codon 1623 of the TSC2 protein (p.Thr1623Ala). This variant is not present in population databases (gnomAD no frequency). This missense change has been observed in individual(s) with clinical features of tuberous sclerosis complex (internal data). ClinVar contains an entry for this variant (Variation ID: 839447). Invitae Evidence Modeling of protein sequence and biophysical properties (such as structural, functional, and spatial information, amino acid conservation, physicochemical variation, residue mobility, and thermodynamic stability) indicates that this missense variant is expected to disrupt TSC2 protein function with a positive predictive value of 80%. In summary, the available evidence is currently insufficient to determine the role of this variant in disease. Therefore, it has been classified as a Variant of Uncertain Significance.